The following is an entry in ClinVar:

ClinVar aggregate classification (germline): Uncertain significance. Review status: criteria provided, multiple submitters, no conflicts (2 of 4 stars). 2 submissions from 2 submitters: Uncertain significance (2). Last evaluated 2025-03-22.

Conditions:
Inborn genetic diseases. Identifiers: MedGen C0950123, MeSH D030342.

Allele frequency attached by ClinVar (database versions not stated): ExAC 0.00001; gnomAD 0.00001; 1000 Genomes Project 0.00020; 1000 Genomes Project 30x 0.00031; gnomAD exomes below 0.00001; TOPMed 0.00002.
gnomAD v4.1: 4 of 1,549,568 alleles (0.00026%); highest among the groups gnomAD compares: African/African-American, 0.0041%; no homozygotes.

Submissions (2):

Ambry Genetics
Classification: Uncertain significance for Inborn genetic diseases. Last evaluated: 2025-03-22. Review status: criteria provided, single submitter. Criteria: Ambry Variant Classification Scheme 2023. Collection method: clinical testing. Allele origin: germline.

GeneDx
Classification: Uncertain significance. Last evaluated: 2020-08-19. Review status: criteria provided, single submitter. Criteria: GeneDx Variant Classification Process June 2021. Collection method: clinical testing. Allele origin: germline. Affected: yes.
Comment: In silico analysis supports that this missense variant has a deleterious effect on protein structure/function; Has not been previously published as pathogenic or benign to our knowledge

NM_001378609.3(OTOGL):c.6777G>T (p.Lys2259Asn)

Gene: OTOGL (otogelin like; plus strand). Cytogenetic location: 12q21.31.
Variant type: single nucleotide variant.
Coding change: c.6777G>T on transcript NM_001378609.3 (MANE Select); coding-DNA position 6777, G replaced by T.
Protein change: p.Lys2259Asn; replaces lysine 2259 with asparagine.
Molecular consequence: missense variant.
Genome position (GRCh38, 1-based): chr12:80,372,060, G>T. VCF-style: chr12-80372060-G-T. GRCh37 (hg19) VCF-style: chr12-80765840-G-T.
Other names: c.6642G>T, p.Lys2214Asn (NM_001368062.3); c.6777G>T, p.Lys2259Asn (NM_001378610.3, NM_173591.7); short protein forms K2214N, K2259N.
Identifiers: ClinVar variation 1214591 (VCV001214591.4), dbSNP rs553056652, ClinGen allele CA6702144.